The following is an entry in ClinVar:

NM_021224.6(ZNF462):c.6278T>C (p.Met2093Thr)

Gene: ZNF462 (zinc finger protein 462; plus strand). Cytogenetic location: 9q31.2.
Variant type: single nucleotide variant.
Coding change: c.6278T>C on transcript NM_021224.6 (MANE Select); coding-DNA position 6278, T replaced by C.
Protein change: p.Met2093Thr; replaces methionine 2093 with threonine.
Molecular consequence: missense variant.
Genome position (GRCh38, 1-based): chr9:106,938,958, T>C. VCF-style: chr9-106938958-T-C. GRCh37 (hg19) VCF-style: chr9-109701239-T-C.
Other names: c.3683T>C, p.Met1228Thr (NM_001347997.2); short protein forms M1228T, M2093T.
Identifiers: ClinVar variation 4528150 (VCV004528150.1).
Genomic context (GRCh38, chr9:106,938,958, plus strand): 5'-GTCACCATCCTCTTCCAGGTGAGCATGCCTACAAGTGTTCTTGGTGCTCATTCTCCACCA[T>C]GACAATCAGCCAGCTGAAGGAACACTCCCTCAAGGTCCACGGAAAAGCCCTGACCCTCCC-3'
Protein context (NP_067047.4, residues 2083-2103): YKCSWCSFST[Met2093Thr]TISQLKEHSL

ClinVar aggregate classification (germline): Uncertain significance (1 of 4 stars; one submission).

Submission:

GeneDx
Classification: Uncertain significance. Last evaluated: 2025-05-05. Review status: criteria provided, single submitter. Criteria: GeneDx Variant Classification Process June 2021. Collection method: clinical testing. Allele origin: germline. Affected: yes.
Comment: Not observed at significant frequency in large population cohorts (gnomAD); In silico analysis suggests that this missense variant does not alter protein structure/function; Has not been previously published as pathogenic or benign to our knowledge